The following is an entry in ClinVar:

ClinVar aggregate classification (germline): Conflicting classifications of pathogenicity. Review status: criteria provided, conflicting classifications (1 of 4 stars). 2 submissions from 2 submitters: Uncertain significance (1); Likely benign (1). Last evaluated 2024-09-20.

Conditions:
Inborn genetic diseases. Identifiers: MedGen C0950123, MeSH D030342.
Sotos syndrome (SOTOS). Also called: CHROMOSOME 5q35 DELETION SYNDROME; SOTOS SYNDROME 1; CEREBRAL GIGANTISM; Sotos' syndrome; Distinctive facial appearance, overgrowth in childhood, and learning disabilities or delayed development. Identifiers: Orphanet 821, MedGen C0175695, MONDO:0019349, OMIM 117550.

Submissions (2):

3billion
Classification: Likely benign for Sotos syndrome. Last evaluated: 2024-09-20. Review status: criteria provided, single submitter. Criteria: ACMG Guidelines, 2015. Collection method: clinical testing. Allele origin: germline. Affected: no.
Comment: The variant was identified in at least one patient who was diagnosed with a different variant in another gene and showed no symptoms related to the gene containing the variant in question.

Ambry Genetics
Classification: Uncertain significance for Inborn genetic diseases. Last evaluated: 2022-10-25. Review status: criteria provided, single submitter. Criteria: Ambry Variant Classification Scheme 2023. Collection method: clinical testing. Allele origin: germline.
Comment: The c.3340G>T (p.V1114F) alteration is located in exon 5 (coding exon 4) of the NSD1 gene. This alteration results from a G to T substitution at nucleotide position 3340, causing the valine (V) at amino acid position 1114 to be replaced by a phenylalanine (F). This variant was not reported in population-based cohorts in the Genome Aggregation Database (gnomAD). This amino acid position is not well conserved in available vertebrate species. This alteration is predicted to be tolerated by in silico analysis. Based on insufficient or conflicting evidence, the clinical significance of this alteration remains unclear.

NM_022455.5(NSD1):c.3340G>T (p.Val1114Phe)

Gene: NSD1 (nuclear receptor binding SET domain protein 1; plus strand). Cytogenetic location: 5q35.3.
Variant type: single nucleotide variant.
Coding change: c.3340G>T on transcript NM_022455.5 (MANE Select); coding-DNA position 3340, G replaced by T.
Protein change: p.Val1114Phe; replaces valine 1114 with phenylalanine.
Molecular consequence: missense variant.
Genome position (GRCh38, 1-based): chr5:177,211,739, G>T. VCF-style: chr5-177211739-G-T. GRCh37 (hg19) VCF-style: chr5-176638740-G-T.
Other names: c.3340G>T, p.Val1114Phe (NM_001409301.1, NM_001409302.1, NM_001409303.1); c.2920G>T, p.Val974Phe (NM_001409304.1); c.2587G>T, p.Val863Phe (NM_001409305.1); c.2467G>T, p.Val823Phe (NM_001409306.1, NM_001409307.1, NM_001409308.1 and 3 more transcripts); short protein forms V974F, V1114F, V845F, V823F, V863F.
Identifiers: ClinVar variation 2318847 (VCV002318847.3), dbSNP rs2480464337, ClinGen allele CA362323845.
Genomic context (GRCh38, chr5:177,211,739, plus strand): 5'-ATGGGCCACTTAACAAGTGAAGATGGTGACCATTTTTCTGATGTGCATTTCGATAGCAAG[G>T]TTAAGCAATCTGATCCTGGTAAAATTTCTGAAAAAGGACTCTCTTTTGAAAACGGAAAAG-3'
Protein context (NP_071900.2, residues 1104-1124): HFSDVHFDSK[Val1114Phe]KQSDPGKISE